The following is an entry in ClinVar:

NM_000038.6(APC):c.2771G>T (p.Arg924Ile)

Gene: APC (APC regulator of Wnt signaling pathway; plus strand). Cytogenetic location: 5q22.2.
Variant type: single nucleotide variant.
Coding change: c.2771G>T on transcript NM_000038.6 (MANE Select); coding-DNA position 2771, G replaced by T.
Protein change: p.Arg924Ile; replaces arginine 924 with isoleucine.
Molecular consequence: missense variant.
Genome position (GRCh38, 1-based): chr5:112,838,365, G>T. VCF-style: chr5-112838365-G-T. GRCh37 (hg19) VCF-style: chr5-112174062-G-T.
Other names: c.2771G>T, p.Arg924Ile (NM_001127510.3, NM_001354895.2, NM_001407450.1); c.2717G>T, p.Arg906Ile (NM_001127511.3); c.2825G>T, p.Arg942Ile (NM_001354896.2, NM_001407447.1, NM_001407448.1 and 1 more transcripts); c.2801G>T, p.Arg934Ile (NM_001354897.2); c.2696G>T, p.Arg899Ile (NM_001354898.2); c.2687G>T, p.Arg896Ile (NM_001354899.2); c.2648G>T, p.Arg883Ile (NM_001354900.2); c.2594G>T, p.Arg865Ile (NM_001354901.2, NM_001407453.1); and 11 more; short protein forms R795I, R924I, R952I, R865I, R906I, R934I, R540I, R798I.
Identifiers: ClinVar variation 1795816 (VCV001795816.2), dbSNP rs2149877064, ClinGen allele CA16027377.

ClinVar aggregate classification (germline): Uncertain significance (1 of 4 stars; one submission).

Conditions:
Hereditary cancer-predisposing syndrome. Also called: Tumor predisposition; Hereditary Cancer Syndrome; Neoplastic Syndromes, Hereditary; Hereditary neoplastic syndrome. Identifiers: Orphanet 140162, MedGen C0027672, MeSH D009386, MONDO:0015356.

Submission:

Ambry Genetics
Classification: Uncertain significance for Hereditary cancer-predisposing syndrome. Last evaluated: 2022-01-19. Review status: criteria provided, single submitter. Criteria: Ambry Variant Classification Scheme 2023. Collection method: clinical testing. Allele origin: germline.
Comment: The p.R924I variant (also known as c.2771G>T), located in coding exon 15 of the APC gene, results from a G to T substitution at nucleotide position 2771. The arginine at codon 924 is replaced by isoleucine, an amino acid with similar properties. This amino acid position is conserved. In addition, in silico predictors for this gene do not accurately predict pathogenicity. Since supporting evidence is limited at this time, the clinical significance of this alteration remains unclear.